The following is an entry in ClinVar:

ClinVar aggregate classification (germline): Likely benign (0 of 4 stars; one submission).

Conditions:
SEMA3E-related disorder. Also called: SEMA3E-related condition.

gnomAD v4.1: 5 of 1,612,120 alleles (0.00031%); highest among the groups gnomAD compares: Non-Finnish European, 0.000085%; no homozygotes.

Submission:

PreventionGenetics, part of Exact Sciences
Classification: Likely benign for SEMA3E-related condition. Last evaluated: 2023-06-01. Review status: no assertion criteria provided. Collection method: clinical testing. Allele origin: germline.
Comment: This variant is classified as likely benign based on ACMG/AMP sequence variant interpretation guidelines (Richards et al. 2015 PMID: 25741868, with internal and published modifications).

NM_012431.3(SEMA3E):c.1459-7A>T

Gene: SEMA3E (semaphorin 3E; minus strand). Cytogenetic location: 7q21.11.
Variant type: single nucleotide variant.
Coding change: c.1459-7A>T on transcript NM_012431.3 (MANE Select); 7 bases into the intron before coding-DNA position 1459, A replaced by T.
Molecular consequence: intron variant.
Genome position (GRCh38, 1-based): chr7:83,394,345, T>A on the plus strand (A>T on the coding strand, the complement: SEMA3E is on the minus strand). VCF-style: chr7-83394345-T-A. GRCh37 (hg19) VCF-style: chr7-83023661-T-A.
Other names: c.1279-7A>T (NM_001178129.2).
Identifiers: ClinVar variation 3356864 (VCV003356864.1).